The following is an entry in ClinVar:

NM_001365951.3(KIF1B):c.4615C>T (p.Leu1539Phe)

Gene: KIF1B (kinesin family member 1B; plus strand). Cytogenetic location: 1p36.22.
Variant type: single nucleotide variant.
Coding change: c.4615C>T on transcript NM_001365951.3 (MANE Select); coding-DNA position 4615, C replaced by T.
Protein change: p.Leu1539Phe; replaces leucine 1539 with phenylalanine.
Molecular consequence: missense variant.
Genome position (GRCh38, 1-based): chr1:10,365,511, C>T. VCF-style: chr1-10365511-C-T. GRCh37 (hg19) VCF-style: chr1-10425569-C-T.
Other names: c.4615C>T, p.Leu1539Phe (NM_001365952.1); c.4477C>T, p.Leu1493Phe (NM_015074.3); short protein forms L1539F, L1493F.
Identifiers: ClinVar variation 1740862 (VCV001740862.8), dbSNP rs779853806, ClinGen allele CA582136.

ClinVar aggregate classification (germline): Uncertain significance. Review status: criteria provided, multiple submitters, no conflicts (2 of 4 stars). 2 submissions from 2 submitters: Uncertain significance (2). Last evaluated 2024-12-05.

Conditions:
Charcot-Marie-Tooth disease type 2. Also called: Charcot-Marie-Tooth type 2. Identifiers: Orphanet 64746, MedGen C0270914, MONDO:0018993.

Allele frequency attached by ClinVar (database versions not stated): TOPMed 0.00001; ExAC 0.00001; gnomAD exomes 0.00001.
gnomAD v4.1: 3 of 1,614,144 alleles (0.00019%); highest among the groups gnomAD compares: Non-Finnish European, 0.00025%; no homozygotes.

Submissions (2):

Labcorp Genetics (formerly Invitae), Labcorp
Classification: Uncertain significance for Charcot-Marie-Tooth disease type 2. Last evaluated: 2024-12-05. Review status: criteria provided, single submitter. Criteria: Invitae Variant Classification Sherloc (09022015). Collection method: clinical testing. Allele origin: germline.
Comment: This sequence change replaces leucine, which is neutral and non-polar, with phenylalanine, which is neutral and non-polar, at codon 1493 of the KIF1B protein (p.Leu1493Phe). This variant is present in population databases (rs779853806, gnomAD 0.0009%). This variant has not been reported in the literature in individuals affected with KIF1B-related conditions. ClinVar contains an entry for this variant (Variation ID: 1740862). An algorithm developed to predict the effect of missense changes on protein structure and function (PolyPhen-2) suggests that this variant is likely to be disruptive. In summary, the available evidence is currently insufficient to determine the role of this variant in disease. Therefore, it has been classified as a Variant of Uncertain Significance.

Ambry Genetics
Classification: Uncertain significance. Last evaluated: 2024-10-09. Review status: criteria provided, single submitter. Criteria: Ambry Variant Classification Scheme 2023. Collection method: clinical testing. Allele origin: germline.